The following is an entry in ClinVar:

NM_000321.3(RB1):c.2401G>A (p.Gly801Arg)

Gene: RB1 (RB transcriptional corepressor 1; plus strand). Cytogenetic location: 13q14.2.
Variant type: single nucleotide variant.
Coding change: c.2401G>A on transcript NM_000321.3 (MANE Select); coding-DNA position 2401, G replaced by A.
Protein change: p.Gly801Arg; replaces glycine 801 with arginine.
Molecular consequence: missense variant.
Genome position (GRCh38, 1-based): chr13:48,465,280, G>A. VCF-style: chr13-48465280-G-A. GRCh37 (hg19) VCF-style: chr13-49039416-G-A.
Other names: c.2401G>A (NM_000321.2); short protein forms G801R.
Identifiers: ClinVar variation 1488628 (VCV001488628.6), dbSNP rs2138345814, ClinGen allele CA388167899.

ClinVar aggregate classification (germline): Uncertain significance. Review status: criteria provided, multiple submitters, no conflicts (2 of 4 stars). 2 submissions from 2 submitters: Uncertain significance (2). Last evaluated 2026-07-06.

Conditions:
Hereditary cancer-predisposing syndrome. Also called: Hereditary Cancer Syndrome; Tumor predisposition; Neoplastic Syndromes, Hereditary; Hereditary neoplastic syndrome. Identifiers: Orphanet 140162, MedGen C0027672, MeSH D009386, MONDO:0015356.
Retinoblastoma (RB1). Also called: RETINOBLASTOMA, SOMATIC. Identifiers: Orphanet 790, MedGen C0035335, MeSH D012175, MONDO:0008380, OMIM 180200, HP:0009919. Disease mechanism: loss of function. Inheritance: Both sporadic and heritable forms are tested..

Allele frequency attached by ClinVar (database versions not stated): gnomAD exomes 0.00001.
gnomAD v4.1: 12 of 1,612,138 alleles (0.00074%); highest among the groups gnomAD compares: African/African-American, 0.0013%; no homozygotes.

Submissions (2):

Ambry Genetics
Classification: Uncertain significance for Hereditary cancer-predisposing syndrome. Last evaluated: 2026-07-06. Review status: criteria provided, single submitter. Criteria: Ambry Variant Classification Scheme 2023. Collection method: clinical testing. Allele origin: germline.
Comment: The p.G801R variant (also known as c.2401G>A), located in coding exon 23 of the RB1 gene, results from a G to A substitution at nucleotide position 2401. The glycine at codon 801 is replaced by arginine, an amino acid with dissimilar properties. This amino acid position is conserved. In addition, the in silico prediction for this alteration is inconclusive. Based on the available evidence, the clinical significance of this variant remains unclear.

Labcorp Genetics (formerly Invitae), Labcorp
Classification: Uncertain significance for Retinoblastoma. Last evaluated: 2021-08-31. Review status: criteria provided, single submitter. Criteria: Invitae Variant Classification Sherloc (09022015). Collection method: clinical testing. Allele origin: germline.
Comment: This sequence change replaces glycine with arginine at codon 801 of the RB1 protein (p.Gly801Arg). The glycine residue is highly conserved and there is a moderate physicochemical difference between glycine and arginine. This variant is not present in population databases (ExAC no frequency). This variant has not been reported in the literature in individuals affected with RB1-related conditions. Algorithms developed to predict the effect of missense changes on protein structure and function (SIFT, PolyPhen-2, Align-GVGD) all suggest that this variant is likely to be disruptive. Algorithms developed to predict the effect of sequence changes on RNA splicing suggest that this variant may create or strengthen a splice site. In summary, the available evidence is currently insufficient to determine the role of this variant in disease. Therefore, it has been classified as a Variant of Uncertain Significance.